The following is an entry in ClinVar:

NM_005732.4(RAD50):c.3239G>C (p.Gly1080Ala)

Gene: RAD50 (RAD50 double strand break repair protein; plus strand). Cytogenetic location: 5q31.1.
Variant type: single nucleotide variant.
Coding change: c.3239G>C on transcript NM_005732.4 (MANE Select); coding-DNA position 3239, G replaced by C.
Protein change: p.Gly1080Ala; replaces glycine 1080 with alanine.
Molecular consequence: missense variant.
Genome position (GRCh38, 1-based): chr5:132,618,144, G>C. VCF-style: chr5-132618144-G-C. GRCh37 (hg19) VCF-style: chr5-131953836-G-C.
Other names: short protein forms G1080A.
Identifiers: ClinVar variation 2719280 (VCV002719280.3), dbSNP rs1751210842, ClinGen allele CA360964452.
Genomic context (GRCh38, chr5:132,618,144, plus strand): 5'-TGGAAGAGAACATAGACAATATAAAAAGAAATCATAATTTGGCATTAGGGCGACAGAAAG[G>C]TTATGAAGAAGAAATTATTCATTTTAAGAAAGAACTTCGAGAACCACAATTTCGGGATGC-3'
Protein context (NP_005723.2, residues 1070-1090): NHNLALGRQK[Gly1080Ala]YEEEIIHFKK

ClinVar aggregate classification (germline): Uncertain significance (1 of 4 stars; one submission).

Conditions:
Hereditary cancer-predisposing syndrome. Also called: Neoplastic Syndromes, Hereditary; Tumor predisposition; Hereditary neoplastic syndrome; Hereditary Cancer Syndrome. Identifiers: Orphanet 140162, MedGen C0027672, MeSH D009386, MONDO:0015356.

Submission:

Labcorp Genetics (formerly Invitae), Labcorp
Classification: Uncertain significance for Hereditary cancer-predisposing syndrome. Last evaluated: 2023-05-25. Review status: criteria provided, single submitter. Criteria: Invitae Variant Classification Sherloc (09022015). Collection method: clinical testing. Allele origin: germline.
Comment: In summary, the available evidence is currently insufficient to determine the role of this variant in disease. Therefore, it has been classified as a Variant of Uncertain Significance. Advanced modeling of protein sequence and biophysical properties (such as structural, functional, and spatial information, amino acid conservation, physicochemical variation, residue mobility, and thermodynamic stability) performed at Invitae indicates that this missense variant is not expected to disrupt RAD50 protein function. This variant has not been reported in the literature in individuals affected with RAD50-related conditions. This variant is not present in population databases (gnomAD no frequency). This sequence change replaces glycine, which is neutral and non-polar, with alanine, which is neutral and non-polar, at codon 1080 of the RAD50 protein (p.Gly1080Ala).